The following is an entry in ClinVar:

ClinVar aggregate classification (germline): Uncertain significance (1 of 4 stars; one submission).

Submission:

Labcorp Genetics (formerly Invitae), Labcorp
Classification: Uncertain significance. Last evaluated: 2022-08-16. Review status: criteria provided, single submitter. Criteria: Invitae Variant Classification Sherloc (09022015). Collection method: clinical testing. Allele origin: germline.
Comment: This sequence change replaces glutamic acid, which is acidic and polar, with arginine, which is basic and polar, at codon 596 of the USH2A protein (p.Glu596Arg). Information on the frequency of this variant in the gnomAD database is not available, as this variant may be reported differently in the database. This variant has not been reported in the literature in individuals affected with USH2A-related conditions. ClinVar contains an entry for this variant (Variation ID: 1380707). Algorithms developed to predict the effect of missense changes on protein structure and function are either unavailable or do not agree on the potential impact of this missense change (SIFT: "Not Available"; PolyPhen-2: "Possibly Damaging"; Align-GVGD: "Not Available"). Algorithms developed to predict the effect of sequence changes on RNA splicing suggest that this variant may create or strengthen a splice site. In summary, the available evidence is currently insufficient to determine the role of this variant in disease. Therefore, it has been classified as a Variant of Uncertain Significance.

NM_206933.4(USH2A):c.1786_1787delinsAG (p.Glu596Arg)

Gene: USH2A (usherin; minus strand). Cytogenetic location: 1q41.
Variant type: Indel.
Coding change: c.1786_1787delinsAG on transcript NM_206933.4 (MANE Select); coding-DNA positions 1786 to 1787, GA replaced by AG.
Protein change: p.Glu596Arg; replaces glutamic acid 596 with arginine.
Molecular consequence: missense variant.
Genome position (GRCh38, 1-based): chr1:216,292,228-216,292,229, TC replaced by CT on the plus strand (GA replaced by AG on the coding strand, the reverse complement: USH2A is on the minus strand). VCF-style: chr1-216292228-TC-CT. GRCh37 (hg19) VCF-style: chr1-216465570-TC-CT.
Other names: c.1786_1787delinsAG, p.Glu596Arg (NM_007123.6); short protein forms E596R.
Identifiers: ClinVar variation 1380707 (VCV001380707.3), dbSNP rs2102610807, ClinGen allele CA2573132641.